The following is an entry in ClinVar:

ClinVar aggregate classification (germline): Uncertain significance (1 of 4 stars; one submission).

Conditions:
Brugada syndrome. Also called: Sudden Unexplained Death Syndrome; Sudden Unexplained Nocturnal Death Syndrome (SUNDS); Sudden unexpected nocturnal death syndrome; Sudden unexplained nocturnal death syndrome. Identifiers: Orphanet 130, MedGen C1142166, MONDO:0015263.

Submission:

Labcorp Genetics (formerly Invitae), Labcorp
Classification: Uncertain significance for Brugada syndrome. Last evaluated: 2024-07-30. Review status: criteria provided, single submitter. Criteria: Invitae Variant Classification Sherloc (09022015). Collection method: clinical testing. Allele origin: germline.
Comment: This sequence change replaces isoleucine, which is neutral and non-polar, with serine, which is neutral and polar, at codon 318 of the KCNJ8 protein (p.Ile318Ser). This variant is not present in population databases (gnomAD no frequency). This variant has not been reported in the literature in individuals affected with KCNJ8-related conditions. Advanced modeling of protein sequence and biophysical properties (such as structural, functional, and spatial information, amino acid conservation, physicochemical variation, residue mobility, and thermodynamic stability) performed at Invitae indicates that this missense variant is expected to disrupt KCNJ8 protein function with a positive predictive value of 80%. In summary, the available evidence is currently insufficient to determine the role of this variant in disease. Therefore, it has been classified as a Variant of Uncertain Significance.

NM_004982.4(KCNJ8):c.953T>G (p.Ile318Ser)

Genes: KCNJ8 (potassium inwardly rectifying channel subfamily J member 8; minus strand), KCNJ8-AS1 (KCNJ8 antisense RNA 1; plus strand). Cytogenetic location: 12p12.1.
Variant type: single nucleotide variant.
Coding change: c.953T>G on transcript NM_004982.4 (MANE Select); coding-DNA position 953, T replaced by G.
Protein change: p.Ile318Ser; replaces isoleucine 318 with serine.
Molecular consequence: missense variant.
Genome position (GRCh38, 1-based): chr12:21,766,045, A>C on the plus strand (T>G on the coding strand, the complement: KCNJ8 is on the minus strand). VCF-style: chr12-21766045-A-C. GRCh37 (hg19) VCF-style: chr12-21918979-A-C.
Other names: short protein forms I318S.
Identifiers: ClinVar variation 3650992 (VCV003650992.2).
Genomic context (GRCh38, chr12:21,766,045, plus strand): 5'-TCCACAGAATACACTCCTTCTTCCTCAGTCACAATGGACACAAAGCGGTGGCCCCATTGG[A>C]TCTCCTCAGCAATGTAGGAGGTTCGTGCTTGTGTGGTGATGCCAGTAGTTTCAACCACTC-3'
Protein context (NP_004973.1, residues 308-328): QARTSYIAEE[Ile318Ser]QWGHRFVSIV